The following is an entry in ClinVar:

NM_000019.4(ACAT1):c.571del (p.Ile191fs)

Gene: ACAT1 (acetyl-CoA acetyltransferase 1; plus strand). Cytogenetic location: 11q22.3.
Variant type: Deletion.
Coding change: c.571del on transcript NM_000019.4 (MANE Select); coding-DNA position 571, one base deleted (A; older notation c.571delA).
Protein change: p.Ile191fs; shifts the reading frame from isoleucine 191.
Molecular consequence: frameshift variant. On other transcripts: non-coding transcript variant (2).
Genome position (GRCh38, 1-based): chr11:108,139,033, A deleted; the last of 4 consecutive A bases (chr11:108,139,030-108,139,033); deleting any one gives the same sequence. VCF-style (leftmost placement, unchanged base first): chr11-108139029-TA-T. GRCh37 (hg19) VCF-style: chr11-108009756-TA-T.
Other names: c.571del, p.Ile191fs (NM_001386677.1); c.256del, p.Ile86fs (NM_001386678.1); c.274del, p.Ile92fs (NM_001386679.1); c.301del, p.Ile101fs (NM_001386681.1, NM_001386682.1, NM_001386685.1 and 6 more transcripts); short protein forms I101fs, I191fs, I86fs, I92fs.
Identifiers: ClinVar variation 1074319 (VCV001074319.10), dbSNP rs761038005, ClinGen allele CA6263155.

ClinVar aggregate classification (germline): Pathogenic/Likely pathogenic. Review status: criteria provided, multiple submitters, no conflicts (2 of 4 stars). 2 submissions from 2 submitters: Pathogenic (1); Likely pathogenic (1). Last evaluated 2022-02-01.

Conditions:
Deficiency of acetyl-CoA acetyltransferase. Also called: 3-KETOTHIOLASE DEFICIENCY; 3-OXOTHIOLASE DEFICIENCY; MITOCHONDRIAL ACETOACETYL-CoA THIOLASE DEFICIENCY; Beta-ketothiolase deficiency. Identifiers: Orphanet 134, MedGen C1536500, MONDO:0008760, OMIM 203750. Disease mechanism: loss of function.

Submissions (2):

Fulgent Genetics
Classification: Likely pathogenic for Deficiency of acetyl-CoA acetyltransferase. Last evaluated: 2022-02-01. Review status: criteria provided, single submitter. Criteria: ACMG Guidelines, 2015. Collection method: clinical testing. Allele origin: unknown.

Labcorp Genetics (formerly Invitae), Labcorp
Classification: Pathogenic for Deficiency of acetyl-CoA acetyltransferase. Last evaluated: 2020-06-13. Review status: criteria provided, single submitter. Criteria: Invitae Variant Classification Sherloc (09022015). Collection method: clinical testing. Allele origin: germline.
Comment: Loss-of-function variants in ACAT1 are known to be pathogenic (PMID: 7749408). This variant has not been reported in the literature in individuals with ACAT1-related conditions. This variant is present in population databases (rs761038005, ExAC 0.001%). This sequence change creates a premature translational stop signal (p.Ile191Phefs*14) in the ACAT1 gene. It is expected to result in an absent or disrupted protein product. For these reasons, this variant has been classified as Pathogenic.

Literature cited by the submitters: PubMed 7749408 (cited by Labcorp Genetics (formerly Invitae), Labcorp).